The following is an entry in ClinVar:

ClinVar aggregate classification (germline): Uncertain significance (1 of 4 stars; one submission).

Conditions:
Cardiomyopathy (CMYO). Also called: Cardiomyopathies. Identifiers: Orphanet 167848, MedGen C0878544, MONDO:0004994, HP:0001638. Inheritance: Various modes of inheritance.

Allele frequency attached by ClinVar (database versions not stated): gnomAD exomes below 0.00001.
gnomAD v4.1: 1 of 1,552,990 alleles (0.000064%); no homozygotes.

Submission:

Color Diagnostics, LLC DBA Color Health
Classification: Uncertain significance for Cardiomyopathy. Last evaluated: 2022-10-10. Review status: criteria provided, single submitter. Criteria: ACMG Guidelines, 2015. Collection method: clinical testing. Allele origin: germline.
Comment: This missense variant replaces glutamic acid with lysine at codon 537 of the lamin A/C protein. Computational prediction suggests that this variant may have deleterious impact on protein structure and function (internally defined REVEL score threshold >= 0.7, PMID: 27666373). To our knowledge, functional studies have not been reported for this variant. This variant has not been reported in individuals affected with cardiovascular disorders in the literature. This variant has been identified in 1/158842 chromosomes in the general population by the Genome Aggregation Database (gnomAD). The available evidence is insufficient to determine the role of this variant in disease conclusively. Therefore, this variant is classified as a Variant of Uncertain Significance.

NM_170707.4(LMNA):c.1609G>A (p.Glu537Lys)

Gene: LMNA (lamin A/C; plus strand). Cytogenetic location: 1q22.
Variant type: single nucleotide variant.
Coding change: c.1609G>A on transcript NM_170707.4 (MANE Select); coding-DNA position 1609, G replaced by A.
Protein change: p.Glu537Lys; replaces glutamic acid 537 with lysine.
Molecular consequence: missense variant. On other transcripts: intron variant (1).
Genome position (GRCh38, 1-based): chr1:156,137,654, G>A. VCF-style: chr1-156137654-G-A. GRCh37 (hg19) VCF-style: chr1-156107445-G-A.
Other names: c.1273G>A, p.Glu425Lys (NM_001257374.3, NM_001406989.1, NM_001406998.1); c.1366G>A, p.Glu456Lys (NM_001282624.2, NM_001406986.1, NM_001406987.1); c.1609G>A, p.Glu537Lys (NM_001282625.2, NM_001282626.2, NM_001406983.1 and 5 more transcripts); c.1312G>A, p.Glu438Lys (NM_001406988.1); c.1051G>A, p.Glu351Lys (NM_001406990.1, NM_001406993.1, NM_001406995.1 and 4 more transcripts); c.985G>A, p.Glu329Lys (NM_001406994.1, NM_001406999.1, NM_001407000.1 and 1 more transcripts); c.1608+422G>A (NM_170708.4); short protein forms E456K, E351K, E537K, E329K, E425K, E438K.
Identifiers: ClinVar variation 2773547 (VCV002773547.2), dbSNP rs932531070, ClinGen allele CA342825285.